The following is an entry in ClinVar:

ClinVar aggregate classification (germline): Uncertain significance (1 of 4 stars; one submission).

Conditions:
Hyperkalemic periodic paralysis. Also called: Familial hyperkalemic periodic paralysis; Gamstorp disease. Identifiers: Orphanet 682, MedGen C0238357, MONDO:0008224, OMIM 170500, HP:0007215.

Submission:

Labcorp Genetics (formerly Invitae), Labcorp
Classification: Uncertain significance for Hyperkalemic periodic paralysis. Last evaluated: 2021-08-23. Review status: criteria provided, single submitter. Criteria: Invitae Variant Classification Sherloc (09022015). Collection method: clinical testing. Allele origin: germline.
Comment: This sequence change replaces cysteine with phenylalanine at codon 1098 of the SCN4A protein (p.Cys1098Phe). The cysteine residue is highly conserved and there is a large physicochemical difference between cysteine and phenylalanine. This variant is not present in population databases (ExAC no frequency). This variant has not been reported in the literature in individuals affected with SCN4A-related conditions. Algorithms developed to predict the effect of missense changes on protein structure and function (SIFT, PolyPhen-2, Align-GVGD) all suggest that this variant is likely to be disruptive. In summary, the available evidence is currently insufficient to determine the role of this variant in disease. Therefore, it has been classified as a Variant of Uncertain Significance.

NM_000334.4(SCN4A):c.3293G>T (p.Cys1098Phe)

Genes: GH-LCR (growth hormone locus control region; plus strand), SCN4A (sodium voltage-gated channel alpha subunit 4; minus strand). Cytogenetic location: 17q23.3.
Variant type: single nucleotide variant.
Coding change: c.3293G>T on transcript NM_000334.4 (MANE Select); coding-DNA position 3293, G replaced by T.
Protein change: p.Cys1098Phe; replaces cysteine 1098 with phenylalanine.
Molecular consequence: missense variant.
Genome position (GRCh38, 1-based): chr17:63,947,915, C>A on the plus strand (G>T on the coding strand, the complement: SCN4A is on the minus strand). VCF-style: chr17-63947915-C-A. GRCh37 (hg19) VCF-style: chr17-62025275-C-A.
Other names: short protein forms C1098F.
Identifiers: ClinVar variation 1355716 (VCV001355716.6), dbSNP rs1050182641, ClinGen allele CA400620979.